The following is an entry in ClinVar:

NM_177402.5(SYT2):c.145G>A (p.Glu49Lys)

Gene: SYT2 (synaptotagmin 2; minus strand). Cytogenetic location: 1q32.1.
Variant type: single nucleotide variant.
Coding change: c.145G>A on transcript NM_177402.5 (MANE Select); coding-DNA position 145, G replaced by A.
Protein change: p.Glu49Lys; replaces glutamic acid 49 with lysine.
Molecular consequence: missense variant.
Genome position (GRCh38, 1-based): chr1:202,605,628, C>T on the plus strand (G>A on the coding strand, the complement: SYT2 is on the minus strand). VCF-style: chr1-202605628-C-T. GRCh37 (hg19) VCF-style: chr1-202574756-C-T.
Other names: c.145G>A, p.Glu49Lys (NM_001136504.1); short protein forms E49K.
Identifiers: ClinVar variation 1355336 (VCV001355336.8), dbSNP rs749704614, ClinGen allele CA1333861.

ClinVar aggregate classification (germline): Uncertain significance (1 of 4 stars; one submission).

Allele frequency attached by ClinVar (database versions not stated): gnomAD exomes below 0.00001; ExAC 0.00001; gnomAD 0.00001; TOPMed 0.00002.
gnomAD v4.1: 8 of 1,613,714 alleles (0.0005%); highest among the groups gnomAD compares: African/African-American, 0.0013%; no homozygotes.

Submission:

Labcorp Genetics (formerly Invitae), Labcorp
Classification: Uncertain significance. Last evaluated: 2025-07-24. Review status: criteria provided, single submitter. Criteria: Invitae Variant Classification Sherloc (09022015). Collection method: clinical testing. Allele origin: germline.
Comment: This sequence change replaces glutamic acid, which is acidic and polar, with lysine, which is basic and polar, at codon 49 of the SYT2 protein (p.Glu49Lys). This variant is present in population databases (rs749704614, gnomAD 0.0009%). This variant has not been reported in the literature in individuals affected with SYT2-related conditions. ClinVar contains an entry for this variant (Variation ID: 1355336). An algorithm developed to predict the effect of missense changes on protein structure and function (PolyPhen-2) suggests that this variant is likely to be tolerated. In summary, the available evidence is currently insufficient to determine the role of this variant in disease. Therefore, it has been classified as a Variant of Uncertain Significance.